The following is an entry in ClinVar:

ClinVar aggregate classification (germline): Conflicting classifications of pathogenicity. Review status: criteria provided, conflicting classifications (1 of 4 stars). 3 submissions from 3 submitters: Pathogenic (1); Likely pathogenic (1); Uncertain significance (1). Last evaluated 2025-06-12.

Conditions:
DDX41-related hematologic malignancy predisposition syndrome. Also called: Myeloproliferative/lymphoproliferative neoplasms, familial (multiple types), susceptibility to; DDX41-Associated Familial Myelodysplastic Syndrome and Acute Myeloid Leukemia. Identifiers: Orphanet 488647, MedGen C4225174, MONDO:0014809, OMIM 616871.
Inborn genetic diseases. Identifiers: MedGen C0950123, MeSH D030342.
Myelodysplastic syndrome (MDS). Also called: MYELODYSPLASTIC SYNDROME, SUSCEPTIBILITY TO; Myelodysplastic syndrome, somatic; Myelodysplastic syndromes. Identifiers: Orphanet 52688, MedGen C3463824, MeSH D009190, MONDO:0018881, OMIM 614286.

Allele frequency attached by ClinVar (database versions not stated): gnomAD exomes below 0.00001.
gnomAD v4.1: 4 of 1,614,048 alleles (0.00025%); highest among the groups gnomAD compares: Non-Finnish European, 0.00034%; no homozygotes.

Submissions (3):

Molecular Pathology, Peter Maccallum Cancer Centre
Classification: Likely pathogenic for DDX41-related hematologic malignancy predisposition syndrome. Last evaluated: 2025-06-12. Review status: criteria provided, single submitter. Criteria: ACMG Guidelines, 2015. Collection method: clinical testing. Allele origin: germline.

Ambry Genetics
Classification: Uncertain significance for Inborn genetic diseases. Last evaluated: 2025-01-10. Review status: criteria provided, single submitter. Criteria: Ambry Variant Classification Scheme 2023. Collection method: clinical testing. Allele origin: germline.
Comment: The c.1621+5G>T intronic variant results from a G to T substitution 5 nucleotides after coding exon 15 in the DDX41 gene. This nucleotide position is highly conserved in available vertebrate species. In silico splice site analysis predicts that this alteration will weaken the native splice donor site and may result in the creation or strengthening of a novel splice donor site; however, direct evidence is insufficient at this time (Ambry internal data). Based on the available evidence, the clinical significance of this variant remains unclear.

Genetics and Molecular Pathology, SA Pathology
Classification: Pathogenic for Myelodysplastic syndrome. Last evaluated: 2020-07-08. Review status: criteria provided, single submitter. Criteria: ACMG Guidelines, 2015. Collection method: clinical testing. Allele origin: germline. Inheritance: Autosomal dominant inheritance. Affected: yes.

NM_016222.4(DDX41):c.1621+5G>T

Gene: DDX41 (DEAD-box helicase 41; minus strand). Cytogenetic location: 5q35.3.
Variant type: single nucleotide variant.
Coding change: c.1621+5G>T on transcript NM_016222.4 (MANE Select); 5 bases into the intron after coding-DNA position 1621, G replaced by T.
Molecular consequence: intron variant.
Genome position (GRCh38, 1-based): chr5:177,512,317, C>A on the plus strand (G>T on the coding strand, the complement: DDX41 is on the minus strand). VCF-style: chr5-177512317-C-A. GRCh37 (hg19) VCF-style: chr5-176939318-C-A.
Other names: c.1243+5G>T (NM_001321830.2, NM_001321732.2); c.1621+5G>T (NM_016222.2).
Identifiers: ClinVar variation 1698850 (VCV001698850.5), dbSNP rs2127435833, ClinGen allele CA923726328.